The following is an entry in ClinVar:

NM_001277115.2(DNAH11):c.1425+3A>G

Gene: DNAH11 (dynein axonemal heavy chain 11; plus strand). Cytogenetic location: 7p15.3.
Variant type: single nucleotide variant.
Coding change: c.1425+3A>G on transcript NM_001277115.2 (MANE Select); 3 bases into the intron after coding-DNA position 1425, A replaced by G.
Molecular consequence: intron variant.
Genome position (GRCh38, 1-based): chr7:21,570,302, A>G. VCF-style: chr7-21570302-A-G. GRCh37 (hg19) VCF-style: chr7-21609920-A-G.
Identifiers: ClinVar variation 4881367 (VCV004881367.2).

ClinVar aggregate classification (germline): Uncertain significance (1 of 4 stars; one submission).

Submission:

Dasa
Classification: Uncertain significance. Last evaluated: 2024-08-16. Review status: criteria provided, single submitter. Criteria: DASA Assertion Criteria. Collection method: clinical testing. Allele origin: germline.
Comment: NM_001277115.2(DNAH11):c.1425+3A>G is a splice-region variant. This variant is absent from population databases. The currently available literature and clinical evidence are not sufficient to establish a definitive association between this variant and the reported condition. Therefore, this variant is classified as a variant of uncertain significance.